The following is an entry in ClinVar:

ClinVar aggregate classification (germline): Uncertain significance. Review status: criteria provided, multiple submitters, no conflicts (2 of 4 stars). 2 submissions from 2 submitters: Uncertain significance (2). Last evaluated 2024-12-26.

Allele frequency attached by ClinVar (database versions not stated): gnomAD exomes below 0.00001; ExAC 0.00001; TOPMed 0.00001.
gnomAD v4.1: 3 of 1,613,998 alleles (0.00019%); highest among the groups gnomAD compares: Admixed American, 0.005%; no homozygotes.

Submissions (2):

GeneDx
Classification: Uncertain significance. Last evaluated: 2024-12-26. Review status: criteria provided, single submitter. Criteria: GeneDx Variant Classification Process June 2021. Collection method: clinical testing. Allele origin: germline. Affected: yes.
Comment: Not observed at significant frequency in large population cohorts (gnomAD); In silico analysis indicates that this missense variant does not alter protein structure/function; Has not been previously published as pathogenic or benign to our knowledge

Labcorp Genetics (formerly Invitae), Labcorp
Classification: Uncertain significance. Last evaluated: 2022-08-19. Review status: criteria provided, single submitter. Criteria: Invitae Variant Classification Sherloc (09022015). Collection method: clinical testing. Allele origin: germline.
Comment: This sequence change replaces alanine, which is neutral and non-polar, with glycine, which is neutral and non-polar, at codon 593 of the COL9A1 protein (p.Ala593Gly). This variant is present in population databases (rs757130148, gnomAD 0.006%). This variant has not been reported in the literature in individuals affected with COL9A1-related conditions. Advanced modeling of protein sequence and biophysical properties (such as structural, functional, and spatial information, amino acid conservation, physicochemical variation, residue mobility, and thermodynamic stability) performed at Invitae indicates that this missense variant is not expected to disrupt COL9A1 protein function. In summary, the available evidence is currently insufficient to determine the role of this variant in disease. Therefore, it has been classified as a Variant of Uncertain Significance.

NM_001851.6(COL9A1):c.1778C>G (p.Ala593Gly)

Gene: COL9A1 (collagen type IX alpha 1 chain; minus strand). Cytogenetic location: 6q13.
Variant type: single nucleotide variant.
Coding change: c.1778C>G on transcript NM_001851.6 (MANE Select); coding-DNA position 1778, C replaced by G.
Protein change: p.Ala593Gly; replaces alanine 593 with glycine.
Molecular consequence: missense variant. On other transcripts: non-coding transcript variant (1).
Genome position (GRCh38, 1-based): chr6:70,252,302, G>C on the plus strand (C>G on the coding strand, the complement: COL9A1 is on the minus strand). VCF-style: chr6-70252302-G-C. GRCh37 (hg19) VCF-style: chr6-70962005-G-C.
Other names: c.1079C>G, p.Ala360Gly (NM_001377289.1); c.1049C>G, p.Ala350Gly (NM_001377290.1, NM_078485.4); c.1778C>G (NM_001851.4); short protein forms A350G, A593G, A360G.
Identifiers: ClinVar variation 1928554 (VCV001928554.3), dbSNP rs757130148, ClinGen allele CA3882012.